The following is an entry in ClinVar:

ClinVar aggregate classification (germline): Pathogenic. Review status: criteria provided, multiple submitters, no conflicts (2 of 4 stars). 3 submissions from 3 submitters: Pathogenic (3). Last evaluated 2026-06-16.

Conditions:
ZNF469-related disorder. Also called: ZNF469-related condition.
Brittle cornea syndrome 1 (BCS1). Also called: CORNEAL FRAGILITY, KERATOGLOBUS, BLUE SCLERAE, JOINT HYPEREXTENSIBILITY; EDS6B; DYSGENESIS MESODERMALIS CORNEAE ET SCLERAE; Corneal fragility keratoglobus, blue sclerae AND joint hypermobility; FRAGILITAS OCULI WITH JOINT HYPEREXTENSIBILITY. Identifiers: Orphanet 90354, MedGen C0268344, MONDO:0024543, OMIM 229200.

Allele frequency attached by ClinVar (database versions not stated): TOPMed 0.00001.

Submissions (3):

Women's Health and Genetics/Laboratory Corporation of America, LabCorp
Classification: Pathogenic for Brittle cornea syndrome 1. Last evaluated: 2026-06-16. Review status: criteria provided, single submitter. Criteria: LabCorp Variant Classification Summary - May 2015. Collection method: clinical testing. Allele origin: germline.
Comment: Variant summary: ZNF469 c.6728delA (p.Asp2243AlafsX8) results in a premature termination codon, predicted to cause a truncation of the encoded protein or absence of the protein due to nonsense mediated decay, which are commonly known mechanisms for disease. The variant was absent in 153602 control chromosomes. c.6728delA has been observed in individual(s) affected with ZNF469-related conditions. To our knowledge, no experimental evidence demonstrating an impact on protein function has been reported. At least one downstream variant has been classified as Pathogenic/Likely Pathogenic (p.Arg3417Glyfs*56) by our lab, providing evidence that the region altered by the variant is critical to protein function. The following publication have been ascertained in the context of this evaluation (PMID: 31025659). ClinVar contains an entry for this variant (Variation ID: 2736375). Based on the evidence outlined above, the variant was classified as pathogenic.

Labcorp Genetics (formerly Invitae), Labcorp
Classification: Pathogenic. Last evaluated: 2025-11-05. Review status: criteria provided, single submitter. Criteria: Invitae Variant Classification Sherloc (09022015). Collection method: clinical testing. Allele origin: germline.
Comment: This sequence change creates a premature translational stop signal (p.Asp2215Alafs*8) in the ZNF469 gene. While this is not anticipated to result in nonsense mediated decay, it is expected to disrupt the last 1711 amino acid(s) of the ZNF469 protein. This variant is not present in population databases (gnomAD no frequency). This premature translational stop signal has been observed in individual(s) with clinical features of brittle cornea syndrome (PMID: 31025659). ClinVar contains an entry for this variant (Variation ID: 2736375). This variant disrupts a region of the ZNF469 protein in which other variant(s) (p.Arg3417Glyfs*56) have been determined to be pathogenic (internal data). This suggests that this is a clinically significant region of the protein, and that variants that disrupt it are likely to be disease-causing. For these reasons, this variant has been classified as Pathogenic.

PreventionGenetics, part of Exact Sciences
Classification: Pathogenic for ZNF469-related condition. Last evaluated: 2025-08-04. Review status: criteria provided, single submitter. Criteria: ACMG Guidelines, 2015. Collection method: clinical testing. Allele origin: germline.
Comment: The ZNF469 c.6644delA variant is predicted to result in a frameshift and premature protein termination (p.Asp2215Alafs*8). This variant has been reported in an individual with brittle cornea syndrome (Table 2. Skalicka et al. 2019. PubMed ID: 31025659). This variant has not been reported in a large population database (gnomAD), indicating this variant is rare. This variant is located in the last and largest exon of the gene (total 2 exons, NM_001127464). Multiple loss of function variants downstream of this variant have been reported in association with brittle cornea syndrome (see for example, Rolvien et al. 2020. PubMed ID: 32671420; Lin et al. 2024. PubMed ID: 38439828). This variant is interpreted as pathogenic.

Literature cited by the submitters: PubMed 31025659 (cited by Women's Health and Genetics/Laboratory Corporation of America, LabCorp and Labcorp Genetics (formerly Invitae), Labcorp).

NM_001367624.2(ZNF469):c.6728del (p.Asp2243fs)

Gene: ZNF469 (zinc finger protein 469; plus strand). Cytogenetic location: 16q24.2.
Variant type: Deletion.
Coding change: c.6728del on transcript NM_001367624.2 (MANE Select); coding-DNA position 6728, one base deleted (A; older notation c.6728delA).
Protein change: p.Asp2243fs; shifts the reading frame from aspartic acid 2243.
Molecular consequence: frameshift variant.
Genome position (GRCh38, 1-based): chr16:88,434,198, A deleted. VCF-style (leftmost placement, unchanged base first): chr16-88434197-GA-G. GRCh37 (hg19) VCF-style: chr16-88500605-GA-G.
Other names: NM_001127464.2:c.6644delA; c.6728delA (NM_001367624.2); short protein forms D2243fs.
Identifiers: ClinVar variation 2736375 (VCV002736375.5), dbSNP rs1163546262, ClinGen allele CA725576107.